The following is an entry in ClinVar:

NM_001367624.2(ZNF469):c.5062A>G (p.Arg1688Gly)

Gene: ZNF469 (zinc finger protein 469; plus strand). Cytogenetic location: 16q24.2.
Variant type: single nucleotide variant.
Coding change: c.5062A>G on transcript NM_001367624.2 (MANE Select); coding-DNA position 5062, A replaced by G.
Protein change: p.Arg1688Gly; replaces arginine 1688 with glycine.
Molecular consequence: missense variant.
Genome position (GRCh38, 1-based): chr16:88,432,532, A>G. VCF-style: chr16-88432532-A-G. GRCh37 (hg19) VCF-style: chr16-88498940-A-G.
Other names: NM_001127464.1:c.4978A>G; short protein forms R1688G.
Identifiers: ClinVar variation 1744499 (VCV001744499.2), dbSNP rs1430588394, ClinGen allele CA397095099.

ClinVar aggregate classification (germline): Uncertain significance (1 of 4 stars; one submission).

Conditions:
Cardiovascular phenotype. Identifiers: MedGen CN230736.

Allele frequency attached by ClinVar (database versions not stated): gnomAD exomes below 0.00001; TOPMed below 0.00001; gnomAD 0.00001.
gnomAD v4.1: 7 of 1,550,212 alleles (0.00045%); highest among the groups gnomAD compares: Non-Finnish European, 0.00061%; no homozygotes.

Submission:

Ambry Genetics
Classification: Uncertain significance for Cardiovascular phenotype. Last evaluated: 2022-01-19. Review status: criteria provided, single submitter. Criteria: Ambry Variant Classification Scheme 2023. Collection method: clinical testing. Allele origin: germline.
Comment: The p.R1660G variant (also known as c.4978A>G), located in coding exon 2 of the ZNF469 gene, results from an A to G substitution at nucleotide position 4978. The arginine at codon 1660 is replaced by glycine, an amino acid with dissimilar properties. This amino acid position is conserved. In addition, this alteration is predicted to be tolerated by in silico analysis. Since supporting evidence is limited at this time, the clinical significance of this alteration remains unclear.